The following is an entry in ClinVar:

ClinVar aggregate classification (germline): Uncertain significance (1 of 4 stars; one submission).

Submission:

Labcorp Genetics (formerly Invitae), Labcorp
Classification: Uncertain significance. Last evaluated: 2022-06-29. Review status: criteria provided, single submitter. Criteria: Invitae Variant Classification Sherloc (09022015). Collection method: clinical testing. Allele origin: germline.
Comment: This sequence change replaces isoleucine, which is neutral and non-polar, with threonine, which is neutral and polar, at codon 330 of the NEUROD1 protein (p.Ile330Thr). This variant has not been reported in the literature in individuals affected with NEUROD1-related conditions. Algorithms developed to predict the effect of missense changes on protein structure and function (SIFT, PolyPhen-2, Align-GVGD) all suggest that this variant is likely to be tolerated. Algorithms developed to predict the effect of sequence changes on RNA splicing suggest that this variant may create or strengthen a splice site. In summary, the available evidence is currently insufficient to determine the role of this variant in disease. Therefore, it has been classified as a Variant of Uncertain Significance. This variant is not present in population databases (gnomAD no frequency).

NM_002500.5(NEUROD1):c.989T>C (p.Ile330Thr)

Gene: NEUROD1 (neuronal differentiation 1; minus strand). Cytogenetic location: 2q31.3.
Variant type: single nucleotide variant.
Coding change: c.989T>C on transcript NM_002500.5 (MANE Select); coding-DNA position 989, T replaced by C.
Protein change: p.Ile330Thr; replaces isoleucine 330 with threonine.
Molecular consequence: missense variant.
Genome position (GRCh38, 1-based): chr2:181,677,872, A>G on the plus strand (T>C on the coding strand, the complement: NEUROD1 is on the minus strand). VCF-style: chr2-181677872-A-G. GRCh37 (hg19) VCF-style: chr2-182542599-A-G.
Other names: short protein forms I330T.
Identifiers: ClinVar variation 1481755 (VCV001481755.6), dbSNP rs2105593988, ClinGen allele CA349782279.
Genomic context (GRCh38, chr2:181,677,872, plus strand): 5'-AGCTGGGCACTCATGACTCGCTCATGATGTGAATGGCTATCGAAGGACATAATATTGTCT[A>G]TGGGGATCTCGCAGCGAGGGGCAGCGGTGCCTGAGAAGATTGATCCGTGGCTTTGGGCCC-3'
Protein context (NP_002491.3, residues 320-340): GTAAPRCEIP[Ile330Thr]DNIMSFDSHS